The following is an entry in ClinVar:

ClinVar aggregate classification (germline): Uncertain significance (1 of 4 stars; one submission).

Submission:

GeneDx
Classification: Uncertain significance. Last evaluated: 2023-05-11. Review status: criteria provided, single submitter. Criteria: GeneDx Variant Classification Process June 2021. Collection method: clinical testing. Allele origin: germline. Affected: yes.
Comment: Not observed at significant frequency in large population cohorts (gnomAD); In silico analysis supports that this missense variant does not alter protein structure/function; Has not been previously published as pathogenic or benign to our knowledge

NM_001083962.2(TCF4):c.498G>A (p.Met166Ile)

Gene: TCF4 (transcription factor 4; minus strand). Cytogenetic location: 18q21.2.
Variant type: single nucleotide variant.
Coding change: c.498G>A on transcript NM_001083962.2 (MANE Select); coding-DNA position 498, G replaced by A.
Protein change: p.Met166Ile; replaces methionine 166 with isoleucine.
Molecular consequence: missense variant.
Genome position (GRCh38, 1-based): chr18:55,350,875, C>T on the plus strand (G>A on the coding strand, the complement: TCF4 is on the minus strand). VCF-style: chr18-55350875-C-T. GRCh37 (hg19) VCF-style: chr18-53018106-C-T.
Other names: c.804G>A, p.Met268Ile (NM_001243226.3); c.426G>A, p.Met142Ile (NM_001243227.2, NM_001306207.1, NM_001348217.1 and 9 more transcripts); c.498G>A, p.Met166Ile (NM_001243228.2, NM_001330604.3, NM_001369567.1 and 5 more transcripts); c.492G>A, p.Met164Ile (NM_001243230.2); c.372G>A, p.Met124Ile (NM_001243231.2, NM_001348211.2); c.285G>A, p.Met95Ile (NM_001243232.1, NM_001306208.1); c.108G>A, p.Met36Ile (NM_001243233.2, NM_001330605.3, NM_001348212.2 and 1 more transcripts); c.423G>A, p.Met141Ile (NM_001348220.1, NM_001369576.1, NM_001369578.1 and 3 more transcripts); and 1 more; short protein forms M124I, M141I, M142I, M164I, M165I, M166I, M268I, M36I.
Identifiers: ClinVar variation 2662345 (VCV002662345.1), dbSNP rs2514749189, ClinGen allele CA402702449.